The following is an entry in ClinVar:

ClinVar aggregate classification (germline): Likely pathogenic (1 of 4 stars; one submission).

Conditions:
Dilated cardiomyopathy 1G (CMD1G). Identifiers: Orphanet 154, MedGen C1858763, MONDO:0011400, OMIM 604145.
Autosomal recessive limb-girdle muscular dystrophy type 2J (LGMDR10). Also called: Limb-girdle muscular dystrophy, type 2J; MUSCULAR DYSTROPHY, LIMB-GIRDLE, AUTOSOMAL RECESSIVE 10. Identifiers: Orphanet 140922, MedGen C1837342, MONDO:0012127, OMIM 608807.

Submission:

Labcorp Genetics (formerly Invitae), Labcorp
Classification: Likely pathogenic for Dilated cardiomyopathy 1G; Autosomal recessive limb-girdle muscular dystrophy type 2J. Last evaluated: 2023-11-27. Review status: criteria provided, single submitter. Criteria: Invitae Variant Classification Sherloc (09022015). Collection method: clinical testing. Allele origin: germline.
Comment: This sequence change creates a premature translational stop signal (p.Ser24793*) in the TTN gene. While this is not anticipated to result in nonsense mediated decay, it is expected to create a truncated TTN protein. This variant is not present in population databases (gnomAD no frequency). This variant has not been reported in the literature in individuals affected with TTN-related conditions. This variant is located in the A band of TTN (PMID: 25589632). Truncating variants in this region are significantly overrepresented in patients affected with dilated cardiomyopathy (PMID: 25589632). Truncating variants in this region have also been reported in individuals affected with autosomal recessive centronuclear myopathy (PMID: 23975875). In summary, the currently available evidence indicates that the variant is pathogenic, but additional data are needed to prove that conclusively. Therefore, this variant has been classified as Likely Pathogenic.

Literature cited by the submitters: PubMed 25589632; PubMed 23975875.

NM_001267550.2(TTN):c.74374_74377dup (p.Ser24793Ter)

Genes: TTN (titin; minus strand), TTN-AS1 (TTN antisense RNA 1; plus strand). Cytogenetic location: 2q31.2.
Variant type: Duplication.
Coding change: c.74374_74377dup on transcript NM_001267550.2 (MANE Select); coding-DNA positions 74374 to 74377, 4 bases duplicated (AACT; older notation c.74374_74377dupAACT).
Protein change: p.Ser24793Ter; replaces serine 24793 with a stop codon.
Molecular consequence: nonsense.
Genome position (GRCh38, 1-based): chr2:178,571,755-178,571,758, AGTT duplicated on the plus strand (AACT on the coding strand, the reverse complement: TTN is on the minus strand); duplicating any 4 consecutive bases within chr2:178,571,755-178,571,761 gives the same sequence; the c. name uses the placement nearest the transcript's 3' end. VCF-style (leftmost placement, unchanged base first): chr2-178571754-G-GAGTT. GRCh37 (hg19) VCF-style: chr2-179436481-G-GAGTT.
Other names: c.69451_69454dup, p.Ser23152Ter (NM_001256850.1); c.47179_47182dup, p.Ser15728Ter (NM_003319.4); c.66670_66673dup, p.Ser22225Ter (NM_133378.4); c.47554_47557dup, p.Ser15853Ter (NM_133432.3); c.47755_47758dup, p.Ser15920Ter (NM_133437.4); short protein forms S15728*, S15853*, S24793*, S23152*, S15920*, S22225*.
Identifiers: ClinVar variation 2937878 (VCV002937878.3), dbSNP rs2468507266, ClinGen allele CA2740096022.